The following is an entry in ClinVar:

NM_003242.6(TGFBR2):c.1594del (p.Gln532fs)

Gene: TGFBR2 (transforming growth factor beta receptor 2; plus strand). Cytogenetic location: 3p24.1.
Variant type: Deletion.
Coding change: c.1594del on transcript NM_003242.6 (MANE Select); coding-DNA position 1594, one base deleted (C; older notation c.1594delC).
Protein change: p.Gln532fs; shifts the reading frame from glutamine 532.
Molecular consequence: frameshift variant.
Genome position (GRCh38, 1-based): chr3:30,691,489, C deleted; the last of 3 consecutive C bases (chr3:30,691,487-30,691,489); deleting any one gives the same sequence. VCF-style (leftmost placement, unchanged base first): chr3-30691486-GC-G. GRCh37 (hg19) VCF-style: chr3-30732978-GC-G.
Other names: c.1669del, p.Gln557fs (NM_001024847.3); c.1777del, p.Gln593fs (NM_001407126.1); c.1702del, p.Gln568fs (NM_001407127.1); c.1621del, p.Gln541fs (NM_001407128.1); c.1597del, p.Gln533fs (NM_001407129.1); c.1591del, p.Gln531fs (NM_001407130.1); c.1489del, p.Gln497fs (NM_001407132.1, NM_001407133.1, NM_001407134.1 and 2 more transcripts); c.1309del, p.Gln437fs (NM_001407137.1); and 2 more; short protein forms Q242fs, Q412fs, Q437fs, Q497fs, Q531fs, Q532fs, Q533fs, Q541fs.
Identifiers: ClinVar variation 4852018 (VCV004852018.1).

ClinVar aggregate classification (germline): Likely pathogenic (1 of 4 stars; one submission).

Conditions:
Loeys-Dietz syndrome 2 (LDS2). Also called: TGFBR2-Related Loeys-Dietz Syndrome; Marfan Syndrome type 2; Marfan like connective tissue disorder; MFS 2; AORTIC ANEURYSM, FAMILIAL THORACIC 3; MARFAN SYNDROME, TYPE II. Identifiers: Orphanet 284973, Orphanet 558, MedGen C2674574, MONDO:0012427, OMIM 610168.

Submission:

Clinical Biomedical Laboratory, Shriners Hospital For Children - Canada
Classification: Likely pathogenic for Loeys-Dietz syndrome 2. Review status: criteria provided, single submitter. Criteria: ACMG Guidelines, 2015. Collection method: clinical testing. Allele origin: germline. Affected: yes.
Comment: This frameshift variant is expected to lead to degradation of the affected transcript and loss of function. Heterozygous loss of function variants in TGFBR2 are associated with Loeys-Dietz syndrome 2, which has considerable overlap with the phenotype of the proband. In the Genome Aggregation Database (gnomAD v2.1.1) this variant is absent, indicating it is very rare. Based on the ACMG variant interpretation guidelines (criteria: PVS1, PM2, PP4), this is a likely pathogenic variant.